The following is an entry in ClinVar:

ClinVar aggregate classification (germline): Uncertain significance (1 of 4 stars; one submission).

Conditions:
Premature ovarian failure 16. Identifiers: MedGen C5231474, MONDO:0032881, OMIM 618723.

Allele frequency attached by ClinVar (database versions not stated): TOPMed below 0.00001; gnomAD 0.00001; gnomAD exomes 0.00001; ExAC 0.00002.
gnomAD v4.1: 11 of 1,614,004 alleles (0.00068%); highest among the groups gnomAD compares: Non-Finnish European, 0.00076%; no homozygotes.

Submission:

Baylor Genetics
Classification: Uncertain significance for Premature ovarian failure 16. Last evaluated: 2020-02-16. Review status: criteria provided, single submitter. Criteria: ACMG Guidelines, 2015. Collection method: clinical testing. Allele origin: unknown. Affected: yes.
Comment: This variant was determined to be of uncertain significance according to ACMG Guidelines, 2015 [PMID:25741868].

NM_001717.4(BNC1):c.2917C>T (p.Arg973Ter)

Gene: BNC1 (basonuclin 1; minus strand). Cytogenetic location: 15q25.2.
Variant type: single nucleotide variant.
Coding change: c.2917C>T on transcript NM_001717.4 (MANE Select); coding-DNA position 2917, C replaced by T.
Protein change: p.Arg973Ter; replaces arginine 973 with a stop codon.
Molecular consequence: nonsense.
Genome position (GRCh38, 1-based): chr15:83,257,510, G>A on the plus strand (C>T on the coding strand, the complement: BNC1 is on the minus strand). VCF-style: chr15-83257510-G-A. GRCh37 (hg19) VCF-style: chr15-83926262-G-A.
Other names: c.2896C>T, p.Arg966Ter (NM_001301206.2); short protein forms R973*, R966*.
Identifiers: ClinVar variation 1030363 (VCV001030363.1), dbSNP rs749980467, ClinGen allele CA7703702.